The following is an entry in ClinVar:

NM_144687.4(NLRP12):c.122G>A (p.Gly41Asp)

Gene: NLRP12 (NLR family pyrin domain containing 12; minus strand). Cytogenetic location: 19q13.42.
Variant type: single nucleotide variant.
Coding change: c.122G>A on transcript NM_144687.4 (MANE Select); coding-DNA position 122, G replaced by A.
Protein change: p.Gly41Asp; replaces glycine 41 with aspartic acid.
Molecular consequence: missense variant.
Genome position (GRCh38, 1-based): chr19:53,824,053, C>T on the plus strand (G>A on the coding strand, the complement: NLRP12 is on the minus strand). VCF-style: chr19-53824053-C-T. GRCh37 (hg19) VCF-style: chr19-54327307-C-T.
Other names: c.122G>A, p.Gly41Asp (NM_001277126.2, NM_001277129.1); short protein forms G41D.
Identifiers: ClinVar variation 3682172 (VCV003682172.2).
Genomic context (GRCh38, chr19:53,824,053, plus strand): 5'-ATGAGCAGCTGGGCCATTTCCAGGGGACCGGCCTTCTCCATGCTTCCCCAGGGGATCTTG[C>T]CTTCTCCCAGCTCTGTCGCGGTCCCCAGGTATAACTTGAACTTCTTCAGTTCCACAGCCT-3'
Protein context (NP_653288.1, residues 31-51): YLGTATELGE[Gly41Asp]KIPWGSMEKA

ClinVar aggregate classification (germline): Uncertain significance (1 of 4 stars; one submission).

Conditions:
Familial cold autoinflammatory syndrome 2 (FCAS2). Identifiers: Orphanet 247868, MedGen C2673198, MONDO:0012724, OMIM 611762.

gnomAD v4.1: 1 of 1,614,144 alleles (0.000062%); highest among the groups gnomAD compares: Non-Finnish European, 0.000085%; no homozygotes.

Submission:

Labcorp Genetics (formerly Invitae), Labcorp
Classification: Uncertain significance for Familial cold autoinflammatory syndrome 2. Last evaluated: 2024-10-12. Review status: criteria provided, single submitter. Criteria: Invitae Variant Classification Sherloc (09022015). Collection method: clinical testing. Allele origin: germline.
Comment: This sequence change replaces glycine, which is neutral and non-polar, with aspartic acid, which is acidic and polar, at codon 41 of the NLRP12 protein (p.Gly41Asp). This variant is not present in population databases (gnomAD no frequency). This variant has not been reported in the literature in individuals affected with NLRP12-related conditions. Invitae Evidence Modeling of protein sequence and biophysical properties (such as structural, functional, and spatial information, amino acid conservation, physicochemical variation, residue mobility, and thermodynamic stability) indicates that this missense variant is not expected to disrupt NLRP12 protein function with a negative predictive value of 80%. In summary, the available evidence is currently insufficient to determine the role of this variant in disease. Therefore, it has been classified as a Variant of Uncertain Significance.